The following is an entry in ClinVar:

NM_000092.5(COL4A4):c.870+3A>G

Gene: COL4A4 (collagen type IV alpha 4 chain; minus strand). Cytogenetic location: 2q36.3.
Variant type: single nucleotide variant.
Coding change: c.870+3A>G on transcript NM_000092.5 (MANE Select); 3 bases into the intron after coding-DNA position 870, A replaced by G.
Molecular consequence: intron variant.
Genome position (GRCh38, 1-based): chr2:227,103,141, T>C on the plus strand (A>G on the coding strand, the complement: COL4A4 is on the minus strand). VCF-style: chr2-227103141-T-C. GRCh37 (hg19) VCF-style: chr2-227967857-T-C.
Other names: c.870+3A>G (NM_000092.4).
Identifiers: ClinVar variation 2898968 (VCV002898968.5), dbSNP rs1282468777, ClinGen allele CA765700910.

ClinVar aggregate classification (germline): Uncertain significance. Review status: criteria provided, multiple submitters, no conflicts (2 of 4 stars). 3 submissions from 3 submitters: Uncertain significance (2). 1 of the submissions does not count toward it. Last evaluated 2025-10-17.

Conditions:
COL4A4-related disorder.

Allele frequency attached by ClinVar (database versions not stated): gnomAD exomes below 0.00001; TOPMed below 0.00001; gnomAD 0.00001.
gnomAD v4.1: 4 of 1,605,340 alleles (0.00025%); highest among the groups gnomAD compares: Non-Finnish European, 0.00034%; no homozygotes.

Submissions (3):

Women's Health and Genetics/Laboratory Corporation of America, LabCorp
Classification: Uncertain significance. Last evaluated: 2025-10-17. Review status: criteria provided, single submitter. Criteria: LabCorp Variant Classification Summary - May 2015. Collection method: clinical testing. Allele origin: germline.

Labcorp Genetics (formerly Invitae), Labcorp
Classification: Uncertain significance. Last evaluated: 2024-02-01. Review status: criteria provided, single submitter. Criteria: Invitae Variant Classification Sherloc (09022015). Collection method: clinical testing. Allele origin: germline.
Comment: This sequence change falls in intron 14 of the COL4A4 gene. It does not directly change the encoded amino acid sequence of the COL4A4 protein. It affects a nucleotide within the consensus splice site. This variant is not present in population databases (gnomAD no frequency). This variant has not been reported in the literature in individuals affected with COL4A4-related conditions. Variants that disrupt the consensus splice site are a relatively common cause of aberrant splicing (PMID: 17576681, 9536098). Algorithms developed to predict the effect of sequence changes on RNA splicing suggest that this variant may disrupt the consensus splice site. In summary, the available evidence is currently insufficient to determine the role of this variant in disease. Therefore, it has been classified as a Variant of Uncertain Significance.

PreventionGenetics, part of Exact Sciences
Classification: Uncertain significance for COL4A4-related condition. Last evaluated: 2023-10-31. Review status: no assertion criteria provided. Collection method: clinical testing. Allele origin: germline. Not counted in ClinVar's aggregate classification.
Comment: The COL4A4 c.870+3A>G variant is predicted to interfere with splicing. To our knowledge, this variant has not been reported in the literature or in a large population database, indicating this variant is rare. At this time, the clinical significance of this variant is uncertain due to the absence of conclusive functional and genetic evidence.

Literature cited by the submitters: PubMed 17576681 (cited by Labcorp Genetics (formerly Invitae), Labcorp); PubMed 9536098 (cited by Labcorp Genetics (formerly Invitae), Labcorp).